The following is an entry in ClinVar:

ClinVar aggregate classification (germline): Likely pathogenic. Review status: criteria provided, multiple submitters, no conflicts (2 of 4 stars). 4 submissions from 4 submitters: Likely pathogenic (3). 1 of the submissions does not count toward it. Last evaluated 2023-07-17.

Conditions:
Charcot-Marie-Tooth disease. Also called: Charcot-Marie-Tooth Neuropathy; Charcot-Marie-Tooth Hereditary Neuropathy. Identifiers: Orphanet 166, MedGen C0007959, MONDO:0015626.
Charcot-Marie-Tooth disease X-linked dominant 1. Also called: CHARCOT-MARIE-TOOTH NEUROPATHY, X-LINKED, 1; CHARCOT-MARIE-TOOTH PERONEAL MUSCULAR ATROPHY, X-LINKED; HEREDITARY MOTOR AND SENSORY NEUROPATHY, X-LINKED; HMSN, X-LINKED; GJB1 Disorders: Charcot-Marie-Tooth Neuropathy (CMT1X) and Central Nervous System Phenotypes; Charcot-Marie-Tooth Neuropathy X Type 1. Identifiers: Orphanet 101075, MedGen C0393808, MONDO:0010549, OMIM 302800.

Submissions (4):

Victorian Clinical Genetics Services, Murdoch Childrens Research Institute
Classification: Likely pathogenic for Charcot-Marie-Tooth disease X-linked dominant 1. Last evaluated: 2023-07-17. Review status: criteria provided, single submitter. Criteria: ACMG Guidelines, 2015. Collection method: clinical testing. Allele origin: germline. Inheritance: X-linked dominant inheritance. Affected: yes.
Comment: Based on the classification scheme VCGS_Germline_v1.3.4, this variant is classified as Likely pathogenic. Following criteria are met: 0102 - Loss of function is a known mechanism of disease in this gene and is associated with Charcot-Marie-Tooth neuropathy 1 (MIM#302800). (I) 0110 - This gene is associated with X-linked dominant disease. (I) 0112 - The condition associated with this gene has incomplete penetrance. Some female variant carriers may be asymptomatic (GeneReviews). (I) 0115 - Variants in this gene are known to have variable expressivity. Phenotypic variability has been reported for affected males and female variant carriers (OMIM). (I) 0200 - Variant is predicted to result in a missense amino acid change from phenylalanine to leucine. (I) 0251 - This variant is heterozygous. (I) 0301 - Variant is absent from gnomAD (both v2 and v3). (SP) 0501 - Missense variant consistently predicted to be damaging by multiple in silico tools and highly conserved with a minor amino acid change. (SP) 0600 - Variant is located in the annotated transmembrane domain 3 (PMID: 9401007). (I) 0705 - No comparable missense variants have previous evidence for pathogenicity. (I) 0802 - This variant has moderate previous evidence of pathogenicity in unrelated individuals. This variant has been classified as likely pathogenic by one clinical diagnostic laboratory and has been reported in two individuals or families with Charcot-Marie-Tooth disease (ClinVar; PMIDs: 9401007, 11571214). (SP) 0905 - No published segregation evidence has been identified for this variant. (I) 1007 - No published functional evidence has been identified for this variant. (I) 1208 - Inheritance information for this variant is not currently available in this individual. (I) Legend: (SP) - Supporting pathogenic, (I) - Information, (SB) - Supporting benign

Molecular Genetics, Royal Melbourne Hospital
Classification: Likely pathogenic for Charcot-Marie-Tooth disease X-linked dominant 1. Last evaluated: 2022-08-04. Review status: criteria provided, single submitter. Criteria: ACMG Guidelines, 2015. Collection method: clinical testing. Allele origin: germline. Affected: yes.
Comment: This sequence change in GJB1 is predicted to replace phenylalanine with leucine at codon 141, p.(Phe141Leu). The phenylalanine residue is highly conserved (100 vertebrates, UCSC), and is located in the transmembrane 3 domain. There is a small physicochemical difference between phenylalanine and leucine. This variant is absent from gnomAD v2.1 and v3.1. This variant has been reported in at least two families with Charcot-Marie-Tooth neuropathy and segregates with disease extensively in at least one of the reported families (PMID: 9401007, 11571214). Multiple lines of computational evidence predict a deleterious effect for the missense substitution (5/6 algorithms). Based on the classification scheme RMH Modified ACMG Guidelines v1.5.1, this variant is classified as LIKELY PATHOGENIC. Following criteria are met: PP1_Strong, PS4_Supporting, PM2_Supporting, PP3.

GeneDx
Classification: Likely pathogenic. Last evaluated: 2017-11-02. Review status: criteria provided, single submitter. Criteria: GeneDx Variant Classification (06012015). Collection method: clinical testing. Allele origin: germline. Affected: yes.
Comment: The F141L variant was initially reported in the hemizygous state in an individual with Charcot-Marie-Tooth disease (CMT) (Rouger et al., 1997). Subsequently, F141L was reported in additional families with CMT, although detailed clinical information and segregation analysis was not provided (Birouk et al., 1998; Dubourg et al., 2001). The F141L variant is not observed in large population cohorts (Lek et al., 2016). This variant is a conservative amino acid substitution, which is not likely to impact secondary protein structure as these residues share similar properties. However, this substitution occurs at a position that is conserved across species, and missense variants in nearby residues (V139M; R142Q/W) have been reported in the Human Gene Mutation Database in association with CMT (Stenson et al., 2014), supporting the functional importance of this region of the protein. Additionally, in silico analysis predicts this variant is probably damaging to the protein structure/function.

Inherited Neuropathy Consortium
Classification: Uncertain significance for Charcot-Marie-Tooth disease. Review status: no assertion criteria provided. Collection method: literature only. Allele origin: germline. Affected: yes. Not counted in ClinVar's aggregate classification.

Literature cited by the submitters: PubMed 9401007 (cited by 3 submitters); PubMed 11571214 (cited by Victorian Clinical Genetics Services, Murdoch Childrens Research Institute and Molecular Genetics, Royal Melbourne Hospital).

NM_000166.6(GJB1):c.423C>G (p.Phe141Leu)

Gene: GJB1 (gap junction protein beta 1; plus strand). Cytogenetic location: Xq13.1.
Variant type: single nucleotide variant.
Coding change: c.423C>G on transcript NM_000166.6 (MANE Select); coding-DNA position 423, C replaced by G.
Protein change: p.Phe141Leu; replaces phenylalanine 141 with leucine.
Molecular consequence: missense variant.
Genome position (GRCh38, 1-based): chrX:71,224,130, C>G. VCF-style: chrX-71224130-C-G. GRCh37 (hg19) VCF-style: chrX-70443980-C-G.
Other names: c.423C>G, p.Phe141Leu (NM_001097642.3); short protein forms F141L.
Identifiers: ClinVar variation 449355 (VCV000449355.5), dbSNP rs1555937180, ClinGen allele CA413502347.